The following is an entry in ClinVar:

NM_002049.4(GATA1):c.1096G>A (p.Gly366Ser)

Gene: GATA1 (GATA binding protein 1; plus strand). Cytogenetic location: Xp11.23.
Variant type: single nucleotide variant.
Coding change: c.1096G>A on transcript NM_002049.4 (MANE Select); coding-DNA position 1096, G replaced by A.
Protein change: p.Gly366Ser; replaces glycine 366 with serine.
Molecular consequence: missense variant.
Genome position (GRCh38, 1-based): chrX:48,794,018, G>A. VCF-style: chrX-48794018-G-A. GRCh37 (hg19) VCF-style: chrX-48652425-G-A.
Other names: short protein forms G366S.
Identifiers: ClinVar variation 2108808 (VCV002108808.4), dbSNP rs2519346786, ClinGen allele CA412871933.

ClinVar aggregate classification (germline): Uncertain significance (1 of 4 stars; one submission).

Conditions:
Diamond-Blackfan anemia. Also called: Blackfan Diamond syndrome; Aregenerative anemia chronic congenital; Red cell aplasia, pure hereditary; Congenital hypoplastic anemia; Aase syndrome. Identifiers: Orphanet 124, MedGen C1260899, MeSH D029503, MONDO:0015253, HP:0004810.
GATA binding protein 1 related thrombocytopenia with dyserythropoiesis. Also called: GATA1-Related X-Linked Cytopenia; GATA1-Related Cytopenia. Identifiers: MedGen C1845837, MONDO:0100089.

Submission:

Labcorp Genetics (formerly Invitae), Labcorp
Classification: Uncertain significance for GATA binding protein 1 related thrombocytopenia with dyserythropoiesis; Diamond-Blackfan anemia. Last evaluated: 2022-03-11. Review status: criteria provided, single submitter. Criteria: Invitae Variant Classification Sherloc (09022015). Collection method: clinical testing. Allele origin: germline.
Comment: In summary, the available evidence is currently insufficient to determine the role of this variant in disease. Therefore, it has been classified as a Variant of Uncertain Significance. Algorithms developed to predict the effect of missense changes on protein structure and function are either unavailable or do not agree on the potential impact of this missense change (SIFT: "Tolerated"; PolyPhen-2: "Probably Damaging"; Align-GVGD: "Class C0"). This variant has not been reported in the literature in individuals affected with GATA1-related conditions. This variant is not present in population databases (gnomAD no frequency). This sequence change replaces glycine, which is neutral and non-polar, with serine, which is neutral and polar, at codon 366 of the GATA1 protein (p.Gly366Ser).